The following is an entry in ClinVar:

ClinVar aggregate classification (germline): Pathogenic/Likely pathogenic. Review status: criteria provided, multiple submitters, no conflicts (2 of 4 stars). 4 submissions from 4 submitters: Pathogenic (3); Likely pathogenic (1). Last evaluated 2024-10-07.

Conditions:
Mitochondrial complex IV deficiency, nuclear type 4. Also called: Mitochondrial complex 4 deficiency, nuclear type 4. Identifiers: MedGen C5436683, MONDO:0033636, OMIM 619048.

Allele frequency attached by ClinVar (database versions not stated): ExAC 0.00001; TOPMed 0.00001; gnomAD 0.00002; gnomAD exomes 0.00002.

Submissions (4):

Women's Health and Genetics/Laboratory Corporation of America, LabCorp
Classification: Pathogenic for Mitochondrial complex IV deficiency, nuclear type 4. Last evaluated: 2024-10-07. Review status: criteria provided, single submitter. Criteria: LabCorp Variant Classification Summary - May 2015. Collection method: clinical testing. Allele origin: germline.
Comment: Variant summary: SCO1 c.551delT (p.Val184GlyfsX4) results in a premature termination codon, predicted to cause a truncation of the encoded protein or absence of the protein due to nonsense mediated decay, which are commonly known mechanisms for disease. The variant allele was found at a frequency of 2e-05 in 251434 control chromosomes (gnomAD). To our knowledge, no occurrence of c.551delT in individuals affected with Mitochondrial Complex 4 Deficiency, Nuclear Type 4 and no experimental evidence demonstrating its impact on protein function have been reported. ClinVar contains an entry for this variant (Variation ID: 280792). Based on the evidence outlined above, the variant was classified as pathogenic.

Fulgent Genetics
Classification: Likely pathogenic for Mitochondrial complex IV deficiency, nuclear type 4. Last evaluated: 2024-05-06. Review status: criteria provided, single submitter. Criteria: ACMG Guidelines, 2015. Collection method: clinical testing. Allele origin: germline.

GeneDx
Classification: Pathogenic. Last evaluated: 2023-09-18. Review status: criteria provided, single submitter. Criteria: GeneDx Variant Classification Process June 2021. Collection method: clinical testing. Allele origin: germline. Affected: yes.
Comment: Frameshift variant predicted to result in protein truncation or nonsense mediated decay in a gene for which loss of function is a known mechanism of disease; Not observed at significant frequency in large population cohorts (gnomAD); Has not been previously published as pathogenic or benign to our knowledge

Labcorp Genetics (formerly Invitae), Labcorp
Classification: Pathogenic. Last evaluated: 2022-09-19. Review status: criteria provided, single submitter. Criteria: Invitae Variant Classification Sherloc (09022015). Collection method: clinical testing. Allele origin: germline.
Comment: For these reasons, this variant has been classified as Pathogenic. ClinVar contains an entry for this variant (Variation ID: 280792). This variant has not been reported in the literature in individuals affected with SCO1-related conditions. This variant is present in population databases (rs766454175, gnomAD 0.004%). This sequence change creates a premature translational stop signal (p.Val184Glyfs*4) in the SCO1 gene. It is expected to result in an absent or disrupted protein product. Loss-of-function variants in SCO1 are known to be pathogenic (PMID: 11013136, 23878101).

Literature cited by the submitters: PubMed 11013136 (cited by Labcorp Genetics (formerly Invitae), Labcorp); PubMed 23878101 (cited by Labcorp Genetics (formerly Invitae), Labcorp).

NM_004589.4(SCO1):c.551del (p.Val184fs)

Gene: SCO1 (synthesis of cytochrome C oxidase 1; minus strand). Cytogenetic location: 17p13.1.
Variant type: Deletion.
Coding change: c.551del on transcript NM_004589.4 (MANE Select); coding-DNA position 551, one base deleted (T; older notation c.551delT).
Protein change: p.Val184fs; shifts the reading frame from valine 184.
Molecular consequence: frameshift variant.
Genome position (GRCh38, 1-based): chr17:10,692,775, A deleted on the plus strand (T on the coding strand, the reverse complement: SCO1 is on the minus strand). VCF-style (leftmost placement, unchanged base first): chr17-10692774-CA-C. GRCh37 (hg19) VCF-style: chr17-10596091-CA-C.
Other names: c.551delT (NM_004589.2, NM_004589.4); short protein forms V184fs.
Identifiers: ClinVar variation 280792 (VCV000280792.12), dbSNP rs766454175, ClinGen allele CA8393583.
Genomic context (GRCh38, chr17:10,692,774, plus strand): 5'-GTAACATGAAGTAAACATATACTTTGTTTAGTTAGTGATGGCTTTCTTACCTATTTCATC[CA>C]CGACTTGAATCATCTTTTCTAGTTCTTCTGGACAGACATCAGGGCAATGAGTGAAGCCAA-3'